The following is an entry in ClinVar:

NM_018089.3(ANKZF1):c.221G>C (p.Cys74Ser)

Gene: ANKZF1 (ankyrin repeat and zinc finger peptidyl tRNA hydrolase 1; plus strand). Cytogenetic location: 2q35.
Variant type: single nucleotide variant.
Coding change: c.221G>C on transcript NM_018089.3 (MANE Select); coding-DNA position 221, G replaced by C.
Protein change: p.Cys74Ser; replaces cysteine 74 with serine.
Molecular consequence: missense variant. On other transcripts: intron variant (1).
Genome position (GRCh38, 1-based): chr2:219,232,000, G>C. VCF-style: chr2-219232000-G-C. GRCh37 (hg19) VCF-style: chr2-220096722-G-C.
Other names: c.221G>C, p.Cys74Ser (NM_001042410.2); c.-266-490G>C (NM_001282792.2); short protein forms C74S.
Identifiers: ClinVar variation 1930291 (VCV001930291.5), dbSNP rs2544911420, ClinGen allele CA350672287.

ClinVar aggregate classification (germline): Uncertain significance (1 of 4 stars; one submission).

gnomAD v4.1: 1 of 1,613,068 alleles (0.000062%); highest among the groups gnomAD compares: Non-Finnish European, 0.000085%; no homozygotes.

Submission:

Labcorp Genetics (formerly Invitae), Labcorp
Classification: Uncertain significance. Last evaluated: 2024-10-22. Review status: criteria provided, single submitter. Criteria: Invitae Variant Classification Sherloc (09022015). Collection method: clinical testing. Allele origin: germline.
Comment: This sequence change replaces cysteine, which is neutral and slightly polar, with serine, which is neutral and polar, at codon 74 of the ANKZF1 protein (p.Cys74Ser). This variant is not present in population databases (gnomAD no frequency). This variant has not been reported in the literature in individuals affected with ANKZF1-related conditions. ClinVar contains an entry for this variant (Variation ID: 1930291). An algorithm developed to predict the effect of missense changes on protein structure and function (PolyPhen-2) suggests that this variant is likely to be disruptive. In summary, the available evidence is currently insufficient to determine the role of this variant in disease. Therefore, it has been classified as a Variant of Uncertain Significance.